The following is an entry in ClinVar:

ClinVar aggregate classification (germline): Likely pathogenic (1 of 4 stars; one submission).

Conditions:
Multiple congenital anomalies-hypotonia-seizures syndrome 3 (MCAHS3). Also called: GLYCOSYLPHOSPHATIDYLINOSITOL BIOSYNTHESIS DEFECT 7. Identifiers: Orphanet 369837, MedGen C3809356, MONDO:0014165, OMIM 615398.
Paroxysmal nocturnal hemoglobinuria 2 (PNH2). Identifiers: Orphanet 447, MedGen C3809369, MONDO:0014166, OMIM 615399.

Submission:

Juno Genomics, Hangzhou Juno Genomics, Inc
Classification: Likely pathogenic for Paroxysmal nocturnal hemoglobinuria 2; Multiple congenital anomalies-hypotonia-seizures syndrome 3. Review status: criteria provided, single submitter. Criteria: ACMG Guidelines, 2015. Collection method: clinical testing. Allele origin: germline.
Comment: Absent from controls (or at extremely low frequency if recessive) in Genome Aggregation Database.;Null variant in a gene where loss of function (LOF) is a known mechanism of disease.

NM_015937.6(PIGT):c.1324del (p.Val442fs)

Gene: PIGT (phosphatidylinositol glycan anchor biosynthesis class T; plus strand). Cytogenetic location: 20q13.12.
Variant type: Deletion.
Coding change: c.1324del on transcript NM_015937.6 (MANE Select); coding-DNA position 1324, one base deleted (G; older notation c.1324delG).
Protein change: p.Val442fs; shifts the reading frame from valine 442.
Molecular consequence: frameshift variant. On other transcripts: non-coding transcript variant (5).
Genome position (GRCh38, 1-based): chr20:45,424,305, G deleted; the last of 2 consecutive G bases (chr20:45,424,304-45,424,305); deleting either gives the same sequence. VCF-style (leftmost placement, unchanged base first): chr20-45424303-AG-A. GRCh37 (hg19) VCF-style: chr20-44052943-AG-A.
Other names: c.1156del, p.Val386fs (NM_001184728.3); c.1123del, p.Val375fs (NM_001184729.3); c.1018del, p.Val340fs (NM_001184730.3); short protein forms V340fs, V375fs, V386fs, V442fs.
Identifiers: ClinVar variation 5019568 (VCV005019568.2).